The following is an entry in ClinVar:

ClinVar aggregate classification (germline): Uncertain significance (1 of 4 stars; one submission).

Allele frequency attached by ClinVar (database versions not stated): ExAC 0.00001; gnomAD 0.00001; TOPMed 0.00002.

Submission:

GeneDx
Classification: Uncertain significance. Last evaluated: 2023-03-13. Review status: criteria provided, single submitter. Criteria: GeneDx Variant Classification Process June 2021. Collection method: clinical testing. Allele origin: germline. Affected: yes.
Comment: Has not been previously published as pathogenic or benign to our knowledge; In silico analysis supports that this missense variant has a deleterious effect on protein structure/function

NM_001372044.2(SHANK3):c.622C>T (p.Arg208Cys)

Gene: SHANK3 (SH3 and multiple ankyrin repeat domains 3; plus strand). Cytogenetic location: 22q13.33.
Variant type: single nucleotide variant.
Coding change: c.622C>T on transcript NM_001372044.2 (MANE Select); coding-DNA position 622, C replaced by T.
Protein change: p.Arg208Cys; replaces arginine 208 with cysteine.
Molecular consequence: missense variant.
Genome position (GRCh38, 1-based): chr22:50,678,642, C>T. VCF-style: chr22-50678642-C-T. GRCh37 (hg19) VCF-style: chr22-51117070-C-T.
Other names: c.397C>T, p.Arg133Cys (NM_033517.1); short protein forms R133C, R208C.
Identifiers: ClinVar variation 1712004 (VCV001712004.3), dbSNP rs750249368, ClinGen allele CA10325216.